The following is an entry in ClinVar:

GRCh38/hg38 20q13.2(chr20:51783476-51785034)x1

Gene: SALL4 (spalt like transcription factor 4; minus strand). Cytogenetic location: 20q13.2.
Variant type: copy number loss.
Change: copy number 1 (one copy instead of two) of chr20:51,783,476-51,785,034 (1.6 kb, GRCh38 coordinates, 1-based), cytogenetic band 20q13.2.
Identifiers: ClinVar variation 3061842 (VCV003061842.1).

ClinVar aggregate classification (germline): Uncertain significance (1 of 4 stars; one submission).

Conditions:
Duane-radial ray syndrome (DRRS). Also called: ACRORENOOCULAR SYNDROME; DR SYNDROME; DUANE ANOMALY WITH RADIAL RAY ABNORMALITIES AND DEAFNESS; Okihiro Syndrome; Duane-Radial Ray Syndrome (DRRS) / Okihiro Syndrome; Duane-Radial Ray Syndrome/Okihiro Syndrome. Identifiers: Orphanet 93293, Orphanet 959, MedGen C1623209, MONDO:0011812, OMIM 607323. Disease mechanism: gain of function.

Submission:

Broad Center for Mendelian Genomics, Broad Institute of MIT and Harvard
Classification: Uncertain significance for Duane-radial ray syndrome. Last evaluated: 2024-03-12. Review status: criteria provided, single submitter. Criteria: ACMG/ClinGen CNV Guidelines, 2019. Collection method: research. Allele origin: unknown. Inheritance: Autosomal dominant inheritance. Affected: yes.
Comment: The phenotype of the individual heterozygous for this variant is highly specific and consistent with what has been described in similar cases. Inheritance information is unavailable. There is partial overlap with the 3’ end and last exon of the SALL4 gene, and no other established pathogenic variants have been recorded in this exon. This SALL4 gene is known to be haploinsufficient and has been assessed by the ClinGen Dosage Sensitivity Working Group. In summary, the clinical significance of the deletion is uncertain. The ACMG/ClinGen evidence codes and points used in this curation are as follows: 1: 0 points, 2: 0.45 points, 3: 0 points, 4-5: 0.30 points; Total: 0.75 points; Riggs 2020 (PMID: 31690835).

Literature cited by the submitters: PubMed 39033378.